The following is an entry in ClinVar:

ClinVar aggregate classification (germline): Conflicting classifications of pathogenicity. Review status: criteria provided, conflicting classifications (1 of 4 stars). 3 submissions from 3 submitters: Uncertain significance (2); Likely benign (1). Last evaluated 2025-02-04.

Conditions:
PCNT-related disorder. Also called: PCNT-related condition.
Inborn genetic diseases. Identifiers: MedGen C0950123, MeSH D030342.

Allele frequency attached by ClinVar (database versions not stated): gnomAD 0.00007; ESP Exome Variant Server 0.00015; 1000 Genomes Project 30x 0.00016; 1000 Genomes Project 0.00020; TOPMed 0.00023.
gnomAD v4.1: 130 of 1,610,858 alleles (0.0081%); highest among the groups gnomAD compares: East Asian, 0.029%; no homozygotes.

Submissions (3):

PreventionGenetics, part of Exact Sciences
Classification: Uncertain significance for PCNT-related condition. Last evaluated: 2025-02-04. Review status: criteria provided, single submitter. Criteria: ACMG Guidelines, 2015. Collection method: clinical testing. Allele origin: germline.
Comment: The PCNT c.2558C>T variant is predicted to result in the amino acid substitution p.Ala853Val. To our knowledge, this variant has not been reported in the literature. This variant is reported in 0.040% of alleles in individuals of East Asian descent in gnomAD, including one homozygote, which may be too frequent to be a primary cause of disease. Although we suspect that this variant may be benign, at this time, the clinical significance of this variant is uncertain due to the absence of conclusive functional and genetic evidence.

Labcorp Genetics (formerly Invitae), Labcorp
Classification: Likely benign. Last evaluated: 2024-06-06. Review status: criteria provided, single submitter. Criteria: Invitae Variant Classification Sherloc (09022015). Collection method: clinical testing. Allele origin: germline.

Ambry Genetics
Classification: Uncertain significance for Inborn genetic diseases. Last evaluated: 2024-03-25. Review status: criteria provided, single submitter. Criteria: Ambry Variant Classification Scheme 2023. Collection method: clinical testing. Allele origin: germline.

NM_006031.6(PCNT):c.2558C>T (p.Ala853Val)

Gene: PCNT (pericentrin; plus strand). Cytogenetic location: 21q22.3.
Variant type: single nucleotide variant.
Coding change: c.2558C>T on transcript NM_006031.6 (MANE Select); coding-DNA position 2558, C replaced by T.
Protein change: p.Ala853Val; replaces alanine 853 with valine.
Molecular consequence: missense variant.
Genome position (GRCh38, 1-based): chr21:46,363,883, C>T. VCF-style: chr21-46363883-C-T. GRCh37 (hg19) VCF-style: chr21-47783798-C-T.
Other names: c.2558C>T (NM_006031.5); c.2204C>T, p.Ala735Val (NM_001315529.2); short protein forms A853V, A735V.
Identifiers: ClinVar variation 2722169 (VCV002722169.5), dbSNP rs137912192, ClinGen allele CA10079009.